The following is an entry in ClinVar:

NM_000238.4(KCNH2):c.3073A>C (p.Ile1025Leu)

Gene: KCNH2 (potassium voltage-gated channel subfamily H member 2; minus strand). Cytogenetic location: 7q36.1.
Variant type: single nucleotide variant.
Coding change: c.3073A>C on transcript NM_000238.4 (MANE Select); coding-DNA position 3073, A replaced by C.
Protein change: p.Ile1025Leu; replaces isoleucine 1025 with leucine.
Molecular consequence: missense variant. On other transcripts: non-coding transcript variant (2).
Genome position (GRCh38, 1-based): chr7:150,947,407, T>G on the plus strand (A>C on the coding strand, the complement: KCNH2 is on the minus strand). VCF-style: chr7-150947407-T-G. GRCh37 (hg19) VCF-style: chr7-150644495-T-G.
Other names: c.2785A>C, p.Ile929Leu (NM_001406753.1); c.2053A>C, p.Ile685Leu (NM_172057.3); short protein forms I1025L, I685L, I929L.
Identifiers: ClinVar variation 3070827 (VCV003070827.1), dbSNP rs1800941772, ClinGen allele CA369852736.

ClinVar aggregate classification (germline): Uncertain significance (1 of 4 stars; one submission).

Conditions:
Long QT syndrome (LQTS). Identifiers: MedGen C0023976, MeSH D008133, MONDO:0002442. Disease mechanism: loss of function. Inheritance: Various modes of inheritance.

Submission:

All of Us Research Program, National Institutes of Health
Classification: Uncertain significance for Long QT syndrome. Last evaluated: 2023-12-01. Review status: criteria provided, single submitter. Criteria: ACMG Guidelines, 2015. Collection method: clinical testing. Allele origin: germline. Inheritance: Autosomal dominant inheritance. Observed: 3 variant alleles, 3 heterozygotes.
Comment: This missense variant replaces isoleucine with leucine at codon 1025 of the KCNH2 protein. Computational prediction suggests that this variant may not impact protein structure and function (internally defined REVEL score threshold <= 0.5, PMID: 27666373). To our knowledge, functional studies have not been reported for this variant. This variant has not been reported in individuals affected with KCNH2-related disorders in the literature. This variant has not been identified in the general population by the Genome Aggregation Database (gnomAD). The available evidence is insufficient to determine the role of this variant in disease conclusively. Therefore, this variant is classified as a Variant of Uncertain Significance.

This study involves interpretation of variants in research participants for the purpose of population health screening. Participant phenotype was not available at the time of variant classification. Additional details can be found in publication PMID: 35346344, PMCID: PMC8962531